The following is an entry in ClinVar:

ClinVar aggregate classification (germline): Uncertain significance (1 of 4 stars; one submission).

Conditions:
Loeys-Dietz syndrome 2 (LDS2). Also called: TGFBR2-Related Loeys-Dietz Syndrome; Marfan Syndrome type 2; Marfan like connective tissue disorder; MFS 2; AORTIC ANEURYSM, FAMILIAL THORACIC 3; MARFAN SYNDROME, TYPE II. Identifiers: Orphanet 284973, Orphanet 558, MedGen C2674574, MONDO:0012427, OMIM 610168.

Submission:

Labcorp Genetics (formerly Invitae), Labcorp
Classification: Uncertain significance for Loeys-Dietz syndrome 2. Last evaluated: 2024-08-11. Review status: criteria provided, single submitter. Criteria: Invitae Variant Classification Sherloc (09022015). Collection method: clinical testing. Allele origin: germline.
Comment: This sequence change replaces proline, which is neutral and non-polar, with histidine, which is basic and polar, at codon 205 of the TMPO protein (p.Pro205His). This variant is not present in population databases (gnomAD no frequency). This variant has not been reported in the literature in individuals affected with TMPO-related conditions. Advanced modeling of protein sequence and biophysical properties (such as structural, functional, and spatial information, amino acid conservation, physicochemical variation, residue mobility, and thermodynamic stability) performed at Invitae indicates that this missense variant is not expected to disrupt TMPO protein function with a negative predictive value of 80%. In summary, the available evidence is currently insufficient to determine the role of this variant in disease. Therefore, it has been classified as a Variant of Uncertain Significance.

NM_001032283.3(TMPO):c.565+1033C>A

Gene: TMPO (thymopoietin; plus strand). Cytogenetic location: 12q23.1.
Variant type: single nucleotide variant.
Coding change: c.565+1033C>A on transcript NM_001032283.3 (MANE Select); 1033 bases into the intron after coding-DNA position 565, C replaced by A.
Molecular consequence: intron variant. On other transcripts: missense variant (1).
Genome position (GRCh38, 1-based): chr12:98,532,871, C>A. VCF-style: chr12-98532871-C-A. GRCh37 (hg19) VCF-style: chr12-98926649-C-A.
Other names: c.614C>A, p.Pro205His (NM_003276.2); c.565+1033C>A (NM_001307975.2, NM_001032284.3); short protein forms P205H.
Identifiers: ClinVar variation 3661966 (VCV003661966.2).
Genomic context (GRCh38, chr12:98,532,871, plus strand): 5'-TTGCCTCTACAGGAAAGAAGAAAGAACACAAGAAAGTGAAGTCCACTAGGGATATTGTTC[C>A]TTTTTCTGAACTTGGAACTACTCCCTCTGGTGGTGGATTTTTTCAGGGTATTTCTTTTCC-3'